The following is an entry in ClinVar:

NM_000038.6(APC):c.4657G>C (p.Ala1553Pro)

Gene: APC (APC regulator of Wnt signaling pathway; plus strand). Cytogenetic location: 5q22.2.
Variant type: single nucleotide variant.
Coding change: c.4657G>C on transcript NM_000038.6 (MANE Select); coding-DNA position 4657, G replaced by C.
Protein change: p.Ala1553Pro; replaces alanine 1553 with proline.
Molecular consequence: missense variant. On other transcripts: non-coding transcript variant (2).
Genome position (GRCh38, 1-based): chr5:112,840,251, G>C. VCF-style: chr5-112840251-G-C. GRCh37 (hg19) VCF-style: chr5-112175948-G-C.
Other names: c.4657G>C, p.Ala1553Pro (NM_001127510.3, NM_001354895.2, NM_001407450.1); c.4603G>C, p.Ala1535Pro (NM_001127511.3); c.4711G>C, p.Ala1571Pro (NM_001354896.2, NM_001407447.1, NM_001407448.1 and 1 more transcripts); c.4687G>C, p.Ala1563Pro (NM_001354897.2); c.4582G>C, p.Ala1528Pro (NM_001354898.2); c.4573G>C, p.Ala1525Pro (NM_001354899.2); c.4534G>C, p.Ala1512Pro (NM_001354900.2); c.4480G>C, p.Ala1494Pro (NM_001354901.2, NM_001407453.1); and 11 more; short protein forms A1169P, A1270P, A1393P, A1424P, A1427P, A1452P, A1462P, A1470P.
Identifiers: ClinVar variation 3230539 (VCV003230539.1), dbSNP rs1554086047, ClinGen allele CA16031540.

ClinVar aggregate classification (germline): Uncertain significance (1 of 4 stars; one submission).

Conditions:
Hereditary cancer-predisposing syndrome. Also called: Neoplastic Syndromes, Hereditary; Tumor predisposition; Hereditary neoplastic syndrome; Hereditary Cancer Syndrome. Identifiers: Orphanet 140162, MedGen C0027672, MeSH D009386, MONDO:0015356.

Submission:

Ambry Genetics
Classification: Uncertain significance for Hereditary cancer-predisposing syndrome. Last evaluated: 2023-02-17. Review status: criteria provided, single submitter. Criteria: Ambry Variant Classification Scheme 2023. Collection method: clinical testing. Allele origin: germline.
Comment: The p.A1553P variant (also known as c.4657G>C), located in coding exon 15 of the APC gene, results from a G to C substitution at nucleotide position 4657. The alanine at codon 1553 is replaced by proline, an amino acid with highly similar properties. This amino acid position is conserved. In addition, in silico predictors for this gene do not accurately predict pathogenicity. Since supporting evidence is limited at this time, the clinical significance of this alteration remains unclear.